The following is an entry in ClinVar:

NM_144772.3(NAXE):c.842_843delinsTT (p.Thr281Ile)

Gene: NAXE (NAD(P)HX epimerase; plus strand). Cytogenetic location: 1q22.
Variant type: Indel.
Coding change: c.842_843delinsTT on transcript NM_144772.3 (MANE Select); coding-DNA positions 842 to 843, CC replaced by TT.
Protein change: p.Thr281Ile; replaces threonine 281 with isoleucine.
Molecular consequence: missense variant.
Genome position (GRCh38, 1-based): chr1:156,594,059-156,594,060, CC replaced by TT. VCF-style: chr1-156594059-CC-TT. GRCh37 (hg19) VCF-style: chr1-156563851-CC-TT.
Other names: short protein forms T281I.
Identifiers: ClinVar variation 1436705 (VCV001436705.4), dbSNP rs2102492200, ClinGen allele CA2573131181.

ClinVar aggregate classification (germline): Uncertain significance (1 of 4 stars; one submission).

Submission:

Labcorp Genetics (formerly Invitae), Labcorp
Classification: Uncertain significance. Last evaluated: 2025-12-06. Review status: criteria provided, single submitter. Criteria: Invitae Variant Classification Sherloc (09022015). Collection method: clinical testing. Allele origin: germline.
Comment: This sequence change replaces threonine, which is neutral and polar, with isoleucine, which is neutral and non-polar, at codon 281 of the NAXE protein (p.Thr281Ile). This variant is present in population databases (no rsID available, gnomAD 0.05%), and has an allele count higher than expected for a pathogenic variant. This variant has not been reported in the literature in individuals affected with NAXE-related conditions. ClinVar contains an entry for this variant (Variation ID: 1436705). An algorithm developed to predict the effect of missense changes on protein structure and function (PolyPhen-2) suggests that this variant is likely to be tolerated. In summary, the available evidence is currently insufficient to determine the role of this variant in disease. Therefore, it has been classified as a Variant of Uncertain Significance.